The following is an entry in ClinVar:

ClinVar aggregate classification (germline): Likely benign. Review status: criteria provided, multiple submitters, no conflicts (2 of 4 stars). 4 submissions from 4 submitters: Likely benign (4). Last evaluated 2025-11-08.

Conditions:
PDE6A-related disorder. Also called: PDE6A-related condition.

Allele frequency attached by ClinVar (database versions not stated): gnomAD 0.00084 and 0.00086; gnomAD exomes 0.00011 and 0.00021; ExAC 0.00026; ESP Exome Variant Server 0.00046; TOPMed 0.00083; 1000 Genomes Project 30x 0.00172; 1000 Genomes Project 0.00200.
gnomAD v4.1: 293 of 1,613,688 alleles (0.018%); highest among the groups gnomAD compares: African/African-American, 0.33%; no homozygotes.

Submissions (4):

Labcorp Genetics (formerly Invitae), Labcorp
Classification: Likely benign. Last evaluated: 2025-11-08. Review status: criteria provided, single submitter. Criteria: Invitae Variant Classification Sherloc (09022015). Collection method: clinical testing. Allele origin: germline.

PreventionGenetics, part of Exact Sciences
Classification: Likely benign for PDE6A-related condition. Last evaluated: 2024-10-14. Review status: criteria provided, single submitter. Criteria: ACMG Guidelines, 2015. Collection method: clinical testing. Allele origin: germline.
Comment: This variant is classified as likely benign based on ACMG/AMP sequence variant interpretation guidelines (Richards et al. 2015 PMID: 25741868, with internal and published modifications).

Blueprint Genetics
Classification: Likely benign. Last evaluated: 2022-11-03. Review status: criteria provided, single submitter. Criteria: ACMG Guidelines, 2015. Collection method: clinical testing. Allele origin: germline.

Breakthrough Genomics
Classification: Likely benign. Review status: criteria provided, single submitter. Criteria: ACMG Guidelines, 2015. Collection method: not provided. Allele origin: germline. Inheritance: Unknown mechanism. Affected: yes.

NM_000440.3(PDE6A):c.1744C>T (p.Arg582Cys)

Gene: PDE6A (phosphodiesterase 6A; minus strand). Cytogenetic location: 5q32.
Variant type: single nucleotide variant.
Coding change: c.1744C>T on transcript NM_000440.3 (MANE Select); coding-DNA position 1744, C replaced by T.
Protein change: p.Arg582Cys; replaces arginine 582 with cysteine.
Molecular consequence: missense variant.
Genome position (GRCh38, 1-based): chr5:149,886,359, G>A on the plus strand (C>T on the coding strand, the complement: PDE6A is on the minus strand). VCF-style: chr5-149886359-G-A. GRCh37 (hg19) VCF-style: chr5-149265922-G-A.
Other names: c.1744C>T (NM_000440.2); short protein forms R582C.
Identifiers: ClinVar variation 1154661 (VCV001154661.12), dbSNP rs148785740, ClinGen allele CA3504549.